The following is an entry in ClinVar:

NM_018082.6(POLR3B):c.2817+30T>A

Gene: POLR3B (RNA polymerase III subunit B; plus strand). Cytogenetic location: 12q23.3.
Variant type: single nucleotide variant.
Coding change: c.2817+30T>A on transcript NM_018082.6 (MANE Select); 30 bases into the intron after coding-DNA position 2817, T replaced by A.
Molecular consequence: intron variant.
Genome position (GRCh38, 1-based): chr12:106,496,188, T>A. VCF-style: chr12-106496188-T-A. GRCh37 (hg19) VCF-style: chr12-106889966-T-A.
Other names: c.2643+30T>A (NM_001160708.2).
Identifiers: ClinVar variation 1184097 (VCV001184097.9), dbSNP rs142517808, ClinGen allele CA6762291.

ClinVar aggregate classification (germline): Conflicting classifications of pathogenicity. Review status: criteria provided, conflicting classifications (1 of 4 stars). 5 submissions from 5 submitters: Uncertain significance (3); Likely benign (1). 1 of the submissions does not count toward it. Last evaluated 2023-02-09.

Conditions:
Leukodystrophy, hypomyelinating, 8, with or without oligodontia and/or hypogonadotropic hypogonadism. Also called: LEUKODYSTROPHY, HYPOMYELINATING, 8, WITH HYPODONTIA AND HYPOGONADOTROPIC HYPOGONADISM; Hypomyelinating leukodystrophy 8 with or without oligodontia and-or hypogonadotropic hypogonadism; Endosteal sclerosis-cerebellar hypoplasia syndrome. Identifiers: Orphanet 85186, Orphanet 88637, MedGen C3280644, MONDO:0013722, OMIM 614381.

Allele frequency attached by ClinVar (database versions not stated): 1000 Genomes Project 30x 0.00047; TOPMed 0.00011; gnomAD exomes 0.00015 and 0.00018; gnomAD 0.00025; ESP Exome Variant Server 0.00031; 1000 Genomes Project 0.00060.

Submissions (5):

Department of Pathology and Laboratory Medicine, Sinai Health System
Classification: Uncertain significance for hypomyelinating leukodystrophy 8 with or without oligodontia and-or hypogonadotropic hypogonadism. Last evaluated: 2023-02-09. Review status: criteria provided, single submitter. Criteria: ACMG Guidelines, 2015. Collection method: research. Allele origin: germline.

Broad Center for Mendelian Genomics, Broad Institute of MIT and Harvard
Classification: Uncertain significance for Leukodystrophy, hypomyelinating, 8, with or without oligodontia and/or hypogonadotropic hypogonadism. Last evaluated: 2022-02-28. Review status: criteria provided, single submitter. Criteria: ACMG Guidelines, 2015. Collection method: curation. Allele origin: germline. Inheritance: Autosomal recessive inheritance.
Comment: The c.2817+30T>A variant in POLR3B has been reported in 1 individual in the compound heterozygous state with 4H leukodystrophy (PMID: 25339210) and has been identified in in 0.05% (60/129026) of European (non-Finnish) chromosomes by the Genome Aggregation Database (gnomAD; dbSNP ID: rs142517808). Although this variant has been seen in the general population in a heterozygous state, its frequency is not high enough to rule out a pathogenic role. This variant has also been reported in ClinVar (Variation ID#: 1173789) and has been interpreted as Pathogenic by GeneReviews. Computational prediction tools, including splice predictors, and conservation analyses suggest that this variant may not impact the protein, though this information is not predictive enough to rule out pathogenicity. This variant is located in the 3' splice region. Computational tools do not suggest an impact to splicing. However, this information is not predictive enough to determine pathogenicity. In summary, the clinical significance of the 2817+30T>A variant is uncertain. ACMG/AMP Criteria applied: PM3_supporting, BP4 (Richards 2015).

GeneDx
Classification: Likely benign. Last evaluated: 2019-05-03. Review status: criteria provided, single submitter. Criteria: GeneDx Variant Classification Process June 2021. Collection method: clinical testing. Allele origin: germline. Affected: yes.
Comment: See Variant Classification Assertion Criteria.

Institute for Medical Genetics and Human Genetics, Charité - Universitätsmedizin Berlin
Classification: Uncertain significance for Leukodystrophy, hypomyelinating, 8, with or without oligodontia and/or hypogonadotropic hypogonadism. Review status: criteria provided, single submitter. Criteria: ACMG Guidelines, 2015. Collection method: not provided. Allele origin: germline. Affected: yes.

GeneReviews
No classification provided. Condition: Leukodystrophy, hypomyelinating, 8, with or without oligodontia and/or hypogonadotropic hypogonadism. Review status: no classification provided. Collection method: literature only. Allele origin: germline. Not counted in ClinVar's aggregate classification.

Literature cited by the submitters: PubMed 25339210 (cited by GeneReviews); PubMed 22855961 (cited by GeneReviews).